The following is an entry in ClinVar:

ClinVar aggregate classification (germline): Uncertain significance. Review status: criteria provided, multiple submitters, no conflicts (2 of 4 stars). 3 submissions from 3 submitters: Uncertain significance (3). Last evaluated 2025-06-01.

Conditions:
Inborn genetic diseases. Identifiers: MedGen C0950123, MeSH D030342.

Allele frequency attached by ClinVar (database versions not stated): gnomAD exomes below 0.00001; gnomAD 0.00001; ExAC 0.00002; TOPMed 0.00002.

Submissions (3):

CeGaT Center for Human Genetics Tuebingen
Classification: Uncertain significance. Last evaluated: 2025-06-01. Review status: criteria provided, single submitter. Criteria: CeGaT Center For Human Genetics Tuebingen Variant Classification Criteria Version 2. Collection method: clinical testing. Allele origin: germline. Affected: yes. Observed: 1 variant allele.
Comment: MCM3AP: PM2, BP4

Ambry Genetics
Classification: Uncertain significance for Inborn genetic diseases. Last evaluated: 2024-02-05. Review status: criteria provided, single submitter. Criteria: Ambry Variant Classification Scheme 2023. Collection method: clinical testing. Allele origin: germline.

Labcorp Genetics (formerly Invitae), Labcorp
Classification: Uncertain significance. Last evaluated: 2022-09-27. Review status: criteria provided, single submitter. Criteria: Invitae Variant Classification Sherloc (09022015). Collection method: clinical testing. Allele origin: germline.
Comment: This sequence change replaces aspartic acid, which is acidic and polar, with glycine, which is neutral and non-polar, at codon 1743 of the MCM3AP protein (p.Asp1743Gly). This variant is present in population databases (rs780074262, gnomAD 0.03%). This variant has not been reported in the literature in individuals affected with MCM3AP-related conditions. Algorithms developed to predict the effect of missense changes on protein structure and function (SIFT, PolyPhen-2, Align-GVGD) all suggest that this variant is likely to be disruptive. In summary, the available evidence is currently insufficient to determine the role of this variant in disease. Therefore, it has been classified as a Variant of Uncertain Significance.

NM_003906.5(MCM3AP):c.5228A>G (p.Asp1743Gly)

Genes: MCM3AP (minichromosome maintenance complex component 3 associated protein; minus strand), MCM3AP-AS1 (MCM3AP antisense RNA 1; plus strand). Cytogenetic location: 21q22.3.
Variant type: single nucleotide variant.
Coding change: c.5228A>G on transcript NM_003906.5 (MANE Select); coding-DNA position 5228, A replaced by G.
Protein change: p.Asp1743Gly; replaces aspartic acid 1743 with glycine.
Molecular consequence: missense variant.
Genome position (GRCh38, 1-based): chr21:46,243,533, T>C on the plus strand (A>G on the coding strand, the complement: MCM3AP is on the minus strand). VCF-style: chr21-46243533-T-C. GRCh37 (hg19) VCF-style: chr21-47663447-T-C.
Other names: c.5228A>G (NM_003906.3); short protein forms D1743G.
Identifiers: ClinVar variation 2178618 (VCV002178618.13), dbSNP rs780074262, ClinGen allele CA10075926.